The following is an entry in ClinVar:

ClinVar aggregate classification (germline): Uncertain significance (1 of 4 stars; one submission).

Conditions:
PNPLA6-related disorder. Also called: PNPLA6-related condition; PNPLA6-related disorders.

Submission:

PreventionGenetics, part of Exact Sciences
Classification: Uncertain significance for PNPLA6-related condition. Last evaluated: 2026-06-08. Review status: criteria provided, single submitter. Criteria: ACMG Guidelines, 2015. Collection method: clinical testing. Allele origin: germline.
Comment: The PNPLA6 c.2912C>G variant is predicted to result in the amino acid substitution p.Ala971Gly. This variant has been documented in the compound heterozygous state in siblings with Boucher-Neuhäuser syndrome (Chung et al. 2022. PubMed ID: 35274841). This variant has not been reported in a large population database (gnomAD), indicating this variant is rare. At this time, the clinical significance of this variant is uncertain due to the absence of conclusive functional and genetic evidence.

NM_001166114.2(PNPLA6):c.2882C>G (p.Ala961Gly)

Gene: PNPLA6 (patatin like domain 6, lysophospholipase; plus strand). Cytogenetic location: 19p13.2.
Variant type: single nucleotide variant.
Coding change: c.2882C>G on transcript NM_001166114.2 (MANE Select); coding-DNA position 2882, C replaced by G.
Protein change: p.Ala961Gly; replaces alanine 961 with glycine.
Molecular consequence: missense variant.
Genome position (GRCh38, 1-based): chr19:7,555,313, C>G. VCF-style: chr19-7555313-C-G. GRCh37 (hg19) VCF-style: chr19-7620199-C-G.
Other names: c.2912C>G, p.Ala971Gly (NM_001166111.2); c.2687C>G, p.Ala896Gly (NM_001166112.2); c.2768C>G, p.Ala923Gly (NM_001166113.1, NM_006702.5); short protein forms A961G, A923G, A896G, A971G.
Identifiers: ClinVar variation 4993305 (VCV004993305.1).